The following is an entry in ClinVar:

ClinVar aggregate classification (germline): Uncertain significance (1 of 4 stars; one submission).

Conditions:
RYR1-related disorder. Also called: RYR1-related condition; RYR1-related disorders. Identifiers: MedGen CN239331.

Submission:

Labcorp Genetics (formerly Invitae), Labcorp
Classification: Uncertain significance for RYR1-related disorder. Last evaluated: 2020-11-27. Review status: criteria provided, single submitter. Criteria: Invitae Variant Classification Sherloc (09022015). Collection method: clinical testing. Allele origin: germline.
Comment: This sequence change replaces arginine with proline at codon 4319 of the RYR1 protein (p.Arg4319Pro). The arginine residue is weakly conserved and there is a moderate physicochemical difference between arginine and proline. The frequency data for this variant in the population databases is considered unreliable, as metrics indicate insufficient coverage at this position in the ExAC database. This variant has not been reported in the literature in individuals with RYR1-related conditions. Advanced modeling of protein sequence and biophysical properties (such as structural, functional, and spatial information, amino acid conservation, physicochemical variation, residue mobility, and thermodynamic stability) performed at Invitae indicates that this missense variant is not expected to disrupt RYR1 protein function. In summary, the available evidence is currently insufficient to determine the role of this variant in disease. Therefore, it has been classified as a Variant of Uncertain Significance.

NM_000540.3(RYR1):c.12956G>C (p.Arg4319Pro)

Gene: RYR1 (ryanodine receptor 1; plus strand). Cytogenetic location: 19q13.2.
Variant type: single nucleotide variant.
Coding change: c.12956G>C on transcript NM_000540.3 (MANE Select); coding-DNA position 12956, G replaced by C.
Protein change: p.Arg4319Pro; replaces arginine 4319 with proline.
Molecular consequence: missense variant.
Genome position (GRCh38, 1-based): chr19:38,565,290, G>C. VCF-style: chr19-38565290-G-C. GRCh37 (hg19) VCF-style: chr19-39055930-G-C.
Other names: c.12941G>C, p.Arg4314Pro (NM_001042723.2); short protein forms R4319P, R4314P.
Identifiers: ClinVar variation 1426494 (VCV001426494.8), dbSNP rs539194350, ClinGen allele CA405672720.